The following is an entry in ClinVar:

ClinVar aggregate classification (germline): Uncertain significance. Review status: criteria provided, multiple submitters, no conflicts (2 of 4 stars). 2 submissions from 2 submitters: Uncertain significance (2). Last evaluated 2022-12-02.

Conditions:
Alstrom syndrome (ALMS). Identifiers: Orphanet 64, MedGen C0268425, MONDO:0008763, OMIM 203800.

Submissions (2):

GeneDx
Classification: Uncertain significance. Last evaluated: 2022-12-02. Review status: criteria provided, single submitter. Criteria: GeneDx Variant Classification Process June 2021. Collection method: clinical testing. Allele origin: germline. Affected: yes.
Comment: Not observed at significant frequency in large population cohorts (gnomAD); In silico analysis supports that this missense variant does not alter protein structure/function; Has not been previously published as pathogenic or benign to our knowledge

Labcorp Genetics (formerly Invitae), Labcorp
Classification: Uncertain significance for Alstrom syndrome. Last evaluated: 2022-02-06. Review status: criteria provided, single submitter. Criteria: Invitae Variant Classification Sherloc (09022015). Collection method: clinical testing. Allele origin: germline.
Comment: In summary, the available evidence is currently insufficient to determine the role of this variant in disease. Therefore, it has been classified as a Variant of Uncertain Significance. Experimental studies and prediction algorithms are not available or were not evaluated, and the functional significance of this variant is currently unknown. This variant has not been reported in the literature in individuals affected with ALMS1-related conditions. This variant is not present in population databases (gnomAD no frequency). This sequence change replaces valine, which is neutral and non-polar, with phenylalanine, which is neutral and non-polar, at codon 1268 of the ALMS1 protein (p.Val1268Phe).

NM_001378454.1(ALMS1):c.3799G>T (p.Val1267Phe)

Gene: ALMS1 (ALMS1 centrosome and basal body associated protein; plus strand). Cytogenetic location: 2p13.1.
Variant type: single nucleotide variant.
Coding change: c.3799G>T on transcript NM_001378454.1 (MANE Select); coding-DNA position 3799, G replaced by T.
Protein change: p.Val1267Phe; replaces valine 1267 with phenylalanine.
Molecular consequence: missense variant.
Genome position (GRCh38, 1-based): chr2:73,450,326, G>T. VCF-style: chr2-73450326-G-T. GRCh37 (hg19) VCF-style: chr2-73677453-G-T.
Other names: c.3802G>T, p.Val1268Phe (NM_015120.4); short protein forms V1267F, V1268F.
Identifiers: ClinVar variation 2182580 (VCV002182580.5), dbSNP rs770278707, ClinGen allele CA347276739.
Genomic context (GRCh38, chr2:73,450,326, plus strand): 5'-ATTTTCTACCAACAGGTCTTGCCAGATAATCATCCAACTGAAGAGGCTCTGAAAATTTCA[G>T]TTGCCTCTGAACCAGTTGACCAGACAACTGGCACACCAGCTGTAACCTCTACTTCCTACT-3'
Protein context (NP_001365383.1, residues 1257-1277): HPTEEALKIS[Val1267Phe]ASEPVDQTTG